The following is an entry in ClinVar:

NM_001034850.3(RETREG1):c.264C>T (p.Ser88=)

Genes: RETREG1 (reticulophagy regulator 1; minus strand), RETREG1-AS1 (RETREG1 antisense RNA 1; plus strand). Cytogenetic location: 5p15.1.
Variant type: single nucleotide variant.
Coding change: c.264C>T on transcript NM_001034850.3 (MANE Select); coding-DNA position 264, C replaced by T.
Protein change: p.Ser88=; no amino-acid change (serine 88 retained).
Molecular consequence: synonymous variant.
Genome position (GRCh38, 1-based): chr5:16,616,708, G>A on the plus strand (C>T on the coding strand, the complement: RETREG1 is on the minus strand). VCF-style: chr5-16616708-G-A. GRCh37 (hg19) VCF-style: chr5-16616817-G-A.
Identifiers: ClinVar variation 906951 (VCV000906951.38), dbSNP rs750040156, ClinGen allele CA3210526.

ClinVar aggregate classification (germline): Conflicting classifications of pathogenicity. Review status: criteria provided, conflicting classifications (1 of 4 stars). 3 submissions from 3 submitters: Uncertain significance (1); Likely benign (2). Last evaluated 2025-06-07.

Conditions:
Neuropathy, hereditary sensory and autonomic, type 2B (HSAN2B). Also called: RETREG1-Related HSAN2 (HSAN2B). Identifiers: Orphanet 970, MedGen C2751092, MONDO:0013142, OMIM 613115.

Allele frequency attached by ClinVar (database versions not stated): gnomAD 0.00004; TOPMed 0.00004.
gnomAD v4.1: 37 of 1,591,108 alleles (0.0023%); highest among the groups gnomAD compares: African/African-American, 0.0054%; no homozygotes.

Submissions (3):

Labcorp Genetics (formerly Invitae), Labcorp
Classification: Likely benign. Last evaluated: 2025-06-07. Review status: criteria provided, single submitter. Criteria: Invitae Variant Classification Sherloc (09022015). Collection method: clinical testing. Allele origin: germline.

CeGaT Center for Human Genetics Tuebingen
Classification: Likely benign. Last evaluated: 2023-04-01. Review status: criteria provided, single submitter. Criteria: CeGaT Center For Human Genetics Tuebingen Variant Classification Criteria Version 2. Collection method: clinical testing. Allele origin: germline. Affected: yes. Observed: 1 variant allele.
Comment: RETREG1: BP4, BP7

Illumina Laboratory Services, Illumina
Classification: Uncertain significance for Neuropathy, hereditary sensory and autonomic, type 2B. Last evaluated: 2018-01-13. Review status: criteria provided, single submitter. Criteria: ICSL Variant Classification Criteria 13 December 2019. Collection method: clinical testing. Allele origin: germline.